The following is an entry in ClinVar:

ClinVar aggregate classification (germline): Uncertain significance. Review status: criteria provided, multiple submitters, no conflicts (2 of 4 stars). 2 submissions from 2 submitters: Uncertain significance (2). Last evaluated 2022-05-12.

Conditions:
Frasier syndrome. Identifiers: Orphanet 347, MedGen C0950122, MeSH D052159, MONDO:0007635, OMIM 136680.
Wilms tumor 1 (WT1). Also called: Wilms tumor, somatic. Identifiers: Orphanet 654, MedGen CN033288, MONDO:0008679, OMIM 194070.
11p partial monosomy syndrome (WAGR). Also called: WAGR Complex; WAGR Spectrum Disorder; CHROMOSOME 11p13 DELETION SYNDROME; WAGR syndrome. Identifiers: Orphanet 893, MedGen C0206115, MONDO:0008681, OMIM 194072.
Drash syndrome (DDS). Also called: WILMS TUMOR AND PSEUDO- OR TRUE HERMAPHRODITISM; NEPHROPATHY, WILMS TUMOR, AND GENITAL ANOMALIES. Identifiers: Orphanet 220, MedGen C0950121, MONDO:0008682, OMIM 194080.

Allele frequency attached by ClinVar (database versions not stated): gnomAD exomes below 0.00001; ExAC 0.00001.
gnomAD v4.1: 1 of 1,612,552 alleles (0.000062%); highest among the groups gnomAD compares: South Asian, 0.0011%; no homozygotes.

Submissions (2):

GeneDx
Classification: Uncertain significance. Last evaluated: 2022-05-12. Review status: criteria provided, single submitter. Criteria: GeneDx Variant Classification Process June 2021. Collection method: clinical testing. Allele origin: germline. Affected: yes.
Comment: Not observed at significant frequency in large population cohorts (gnomAD); In silico analysis supports that this missense variant has a deleterious effect on protein structure/function; Has not been previously published as pathogenic or benign to our knowledge; Also known as c.566C>G; p.P189R

Labcorp Genetics (formerly Invitae), Labcorp
Classification: Uncertain significance for Wilms tumor 1; Drash syndrome; 11p partial monosomy syndrome; Frasier syndrome. Last evaluated: 2021-01-16. Review status: criteria provided, single submitter. Criteria: Invitae Variant Classification Sherloc (09022015). Collection method: clinical testing. Allele origin: germline.
Comment: This sequence change replaces proline with arginine at codon 184 of the WT1 protein (p.Pro184Arg). The proline residue is highly conserved and there is a moderate physicochemical difference between proline and arginine. This variant is present in population databases (rs745879965, ExAC 0.006%). This variant has not been reported in the literature in individuals with WT1-related conditions. Algorithms developed to predict the effect of missense changes on protein structure and function (SIFT, PolyPhen-2, Align-GVGD) all suggest that this variant is likely to be disruptive, but these predictions have not been confirmed by published functional studies and their clinical significance is uncertain. In summary, the available evidence is currently insufficient to determine the role of this variant in disease. Therefore, it has been classified as a Variant of Uncertain Significance.

NM_024426.6(WT1):c.566C>G (p.Pro189Arg)

Genes: WT1 (WT1 transcription factor; minus strand), LOC107982234 (WT1/WT1-AS bi-directional promoter region; plus strand). Cytogenetic location: 11p13.
Variant type: single nucleotide variant.
Coding change: c.566C>G on transcript NM_024426.6 (MANE Select); coding-DNA position 566, C replaced by G.
Protein change: p.Pro189Arg; replaces proline 189 with arginine.
Molecular consequence: missense variant. On other transcripts: non-coding transcript variant (1).
Genome position (GRCh38, 1-based): chr11:32,434,795, G>C on the plus strand (C>G on the coding strand, the complement: WT1 is on the minus strand). VCF-style: chr11-32434795-G-C. GRCh37 (hg19) VCF-style: chr11-32456341-G-C.
Other names: c.566C>G, p.Pro189Arg (NM_000378.6, NM_024424.5); short protein forms P189R.
Identifiers: ClinVar variation 1462549 (VCV001462549.9), dbSNP rs745879965, ClinGen allele CA065038.
Genomic context (GRCh38, chr11:32,434,795, plus strand): 5'-CTGGGCAGGTAGGGCGCGTTAGGAAACATCCTGGCCTGGCCGGATGACGCCTGGCTGGGC[G>C]GAGGAGGACCGAAGGGCCCGTAGCGACAGGCTCCGGCTGTGCCAGTGAACTGGCCGGAAA-3'
Protein context (NP_077744.4, residues 179-199): ACRYGPFGPP[Pro189Arg]PSQASSGQAR